The following is an entry in ClinVar:

ClinVar aggregate classification (germline): Pathogenic. Review status: criteria provided, multiple submitters, no conflicts (2 of 4 stars). 18 submissions from 15 submitters: Pathogenic (9). 9 of the submissions do not count toward it. Last evaluated 2025-11-04.
ClinVar aggregate classification (somatic clinical impact): Tier I - Strong. Review status: criteria provided, single submitter (1 of 4 stars). 4 submissions from 2 submitters. 2 of the submissions do not count toward it. Last evaluated 2024-03-26.
ClinVar aggregate classification (oncogenicity): Oncogenic (1 of 4 stars; one submission).

Conditions:
RAS-ASSOCIATED AUTOIMMUNE LEUKOPROLIFERATIVE DISORDER 2, SOMATIC.
OCULOECTODERMAL SYNDROME, SOMATIC.
KRAS-related disorder. Also called: KRAS-related disorders; KRAS-related condition.
Noonan syndrome and Noonan-related syndrome. Identifiers: Orphanet 98733, MedGen C5681679, MONDO:0020297.
Inborn genetic diseases. Identifiers: MedGen C0950123, MeSH D030342.
Encephalocraniocutaneous lipomatosis (ECCL). Identifiers: Orphanet 2396, MedGen C0406612, MONDO:0013074, OMIM 613001.
Familial pancreatic carcinoma. Identifiers: Orphanet 1333, MedGen C2931038, MONDO:0015278, OMIM 260350.
RASopathy. Also called: Noonan spectrum disorder; rasopathies. Identifiers: Orphanet 536391, MedGen C5555857, MONDO:0021060.
Nevus sebaceous. Also called: NEVUS SEBACEOUS, SOMATIC. Identifiers: MedGen C3854181, HP:0010815.
Non-small cell lung carcinoma (NSCLC). Also called: Non-small cell lung cancer. Identifiers: MedGen C0007131, MeSH D002289, MONDO:0005233, HP:0030358. Disease mechanism: Other.
Breast adenocarcinoma. Also called: Breast adenocarcinoma, somatic; Breast cancer, somatic. Identifiers: MedGen C0858252, MONDO:0004988.
Juvenile myelomonocytic leukemia (JMML). Also called: LEUKEMIA, JUVENILE MYELOMONOCYTIC, SOMATIC. Identifiers: Orphanet 86834, MedGen C0349639, MONDO:0011908, OMIM 607785, HP:0012209.
Adenocarcinoma of the large intestine. Identifiers: MedGen C1319315, MONDO:0005008, HP:0040275.
Diffuse midline glioma, H3 K27M-mutant. Identifiers: MedGen C4289688, MONDO:0957196.
Embryonal rhabdomyosarcoma (ERMS). Also called: Botryoid rhabdomyosarcoma (type of ERMS); Spindle cell rhabdomyosarcomas (type of ERMS). Identifiers: Orphanet 99757, MedGen C0206656, MONDO:0009993, HP:0006743.
Colorectal cancer. Also called: Malignant Colorectal Neoplasm; Colorectal cancer, somatic. Identifiers: MedGen C0346629, MONDO:0005575, OMIM 114500.
Neoplasm. Also called: tumor; Neoplasms; Neoplasm (disease). Identifiers: MedGen C0027651, MeSH D009369, MONDO:0005070, HP:0002664.

Allele frequency attached by ClinVar (database versions not stated): gnomAD exomes below 0.00001; gnomAD 0.00001 and 0.00002.
gnomAD v4.1: 5 of 1,612,796 alleles (0.00031%); highest among the groups gnomAD compares: Non-Finnish European, 0.00042%; no homozygotes.

Submissions 1 to 12 of 29:

Labcorp Genetics (formerly Invitae), Labcorp
Classification: Pathogenic for RASopathy. Last evaluated: 2025-11-04. Review status: criteria provided, single submitter. Criteria: Invitae Variant Classification Sherloc (09022015). Collection method: clinical testing. Allele origin: germline.
Comment: This sequence change replaces glycine, which is neutral and non-polar, with aspartic acid, which is acidic and polar, at codon 13 of the KRAS protein (p.Gly13Asp). This variant is not present in population databases (gnomAD no frequency). This missense change has been observed in individual(s) with oculoectodermal syndrome, as a mosaic variant (PMID: 25808193). In at least one individual the variant was observed to be de novo. ClinVar contains an entry for this variant (Variation ID: 12580). Invitae Evidence Modeling incorporating data from in vitro experimental studies (internal data) indicates that this missense variant is expected to disrupt KRAS function with a positive predictive value of 95%. For these reasons, this variant has been classified as Pathogenic.

Center for Genomic Medicine, Rigshospitalet, Copenhagen University Hospital
Classification: Oncogenic for Neoplasm. Last evaluated: 2025-03-04. Review status: criteria provided, single submitter. Criteria: ClinGen/CGC/VICC Guidelines for Oncogenicity, 2022. Collection method: clinical testing. Allele origin: somatic. Affected: yes.

Genomic Medicine Center of Excellence, King Faisal Specialist Hospital and Research Centre
Classification: Pathogenic for Familial pancreatic carcinoma. Last evaluated: 2024-12-18. Review status: criteria provided, single submitter. Criteria: ACMG Guidelines, 2015. Collection method: clinical testing. Allele origin: germline.

Blueprint Genetics
Classification: Pathogenic for KRAS-related disorders. Last evaluated: 2024-08-30. Review status: criteria provided, single submitter. Criteria: ACMG Guidelines, 2015. Collection method: clinical testing. Allele origin: germline. Affected: yes. Observed: 2 variant alleles.

Institute for Genomic Medicine (IGM) Clinical Laboratory, Nationwide Children's Hospital
Classification: Tier II - Potential for Diffuse midline glioma, H3 K27M-mutant. Assertion type: diagnostic. Clinical significance: supports diagnosis. Last evaluated: 2024-06-27. Review status: criteria provided, single submitter. Criteria: AMP/ASCO/CAP Guidelines, 2017. Collection method: clinical testing. Allele origin: somatic. Affected: yes. Not counted in ClinVar's aggregate classification.
Comment: Variant has Tier II (potential) clinical significance as a diagnostic inclusion criterion in diffuse midline glioma, H3 K27M-mutant, based on the following evidence: 1) Documented in one or more cancer databases (e.g., St. Jude Pecan, COSMIC, CIViC, OncoKB). 2) Information in the literature supports potential biologic effect of variant (PMID: 26037647). 3) Diagnostic significance based on multiple small studies (Evidence Level C; PMIDs: 24705251, 28966033, 28912153, 35363510).

Institute for Genomic Medicine (IGM) Clinical Laboratory, Nationwide Children's Hospital
Classification: Tier I - Strong for Embryonal rhabdomyosarcoma. Assertion type: diagnostic. Clinical significance: supports diagnosis. Last evaluated: 2024-03-26. Review status: criteria provided, single submitter. Criteria: AMP/ASCO/CAP Guidelines, 2017. Collection method: clinical testing. Allele origin: somatic. Affected: yes.
Comment: Variant has Tier I (strong) clinical significance as a diagnostic inclusion criterion in embryonal rhabdomyosarcoma, based on the following evidence: 1) Documented in one or more cancer databases (e.g., St. Jude Pecan, COSMIC, CIViC, OncoKB). 2) Appears in one or more well-established professional guidelines (e.g., World Health Organization [WHO]; National Comprehensive Cancer Network [NCCN]) as providing diagnostic, prognostic, or therapeutic information. 3) Information in the literature supports potential biologic effect of variant (PMID: 26037647). 4) Diagnostic for a specific tumor type/classification based on well-powered studies with expert-level consensus (Evidence Level B; PMIDs: 24436047, 34166060, 25768946, 19681119, 24332040, 26138366).

Genome Diagnostics Laboratory, The Hospital for Sick Children
Classification: Pathogenic for Noonan syndrome and Noonan-related syndrome. Last evaluated: 2023-02-11. Review status: criteria provided, single submitter. Criteria: ACMG Guidelines, 2015. Collection method: clinical testing. Allele origin: germline. Affected: yes.
Comment: This missense variant results in a change from glycine to aspartic acid at amino acid position 13. It has been previously reported in a somatic mosaic state in individuals with myelodysplastic/myeloproliferative disease (PMID: 22571758). It was also identified in a patient with Oculoectodermal syndrome (PMID: 25808193) and found in a case of RAS-associated autoimmune leukoproliferative disorder (PMID: 32441320). This variant is in the P-loop and mutational hotspot defined by ClinGen expert panel. Additionally the same amino acid change, p.Gly13Asp, in the HRAS gene has been reported as pathogenic in several patients (SickKids, internal data). This variant is observed at an allele frequency of 0.00031% in population controls of the Genome Aggregation Database (gnomAD). Based on the evidence above, this variant is classified as pathogenic (PS1, PS4_m, PM1, PM2, PP3, PP5).

Institute for Genomic Medicine (IGM) Clinical Laboratory, Nationwide Children's Hospital
Classification: Tier I - Strong for Adenocarcinoma of the large intestine. Assertion type: diagnostic. Clinical significance: supports diagnosis. Last evaluated: 2022-12-16. Review status: criteria provided, single submitter. Criteria: AMP/ASCO/CAP Guidelines, 2017. Collection method: clinical testing. Allele origin: somatic. Affected: yes.
Comment: Variant has Tier I (strong) clinical significance as a diagnostic inclusion criterion in colorectal adenocarcinoma, based on the following evidence: 1) Documented in one or more cancer databases (e.g., St. Jude Pecan, COSMIC, CIViC, OncoKB). 2) Appears in one or more well-established professional guidelines (e.g., World Health Organization [WHO]; National Comprehensive Cancer Network [NCCN]) as providing diagnostic, prognostic, or therapeutic information. 3) Information in the literature supports potential biologic effect of variant (PMID: 26037647). 4) Diagnostic for a specific tumor type/classification based on well-powered studies with expert-level consensus (Evidence Level B; PMIDs: 22810696, 27325016).

Revvity Omics, Revvity
Classification: Pathogenic. Last evaluated: 2021-09-09. Review status: criteria provided, single submitter. Criteria: ACMG Guidelines, 2015. Collection method: clinical testing. Allele origin: germline.

CeGaT Center for Human Genetics Tuebingen
Classification: Pathogenic. Last evaluated: 2020-02-01. Review status: criteria provided, single submitter. Criteria: CeGaT Center For Human Genetics Tuebingen Variant Classification Criteria Version 2. Collection method: clinical testing. Allele origin: germline. Affected: yes. Observed: 2 variant alleles.

Ambry Genetics
Classification: Pathogenic for Inborn genetic diseases. Last evaluated: 2018-07-19. Review status: criteria provided, single submitter. Criteria: Ambry exome assertion method (8-5-2015). Collection method: clinical testing. Allele origin: germline. Affected: yes. Observed: 1 variant allele.

Laboratory for Molecular Medicine, Mass General Brigham Personalized Medicine
Classification: Pathogenic for Non-small cell lung carcinoma. Last evaluated: 2011-11-02. Review status: criteria provided, single submitter. Criteria: LMM Criteria. Collection method: clinical testing. Allele origin: somatic. Observed: 9 variant alleles.

NM_004985.5(KRAS):c.38G>A (p.Gly13Asp)

Gene: KRAS (KRas proto-oncogene, GTPase; minus strand). Cytogenetic location: 12p12.1.
Variant type: single nucleotide variant.
Coding change: c.38G>A on transcript NM_004985.5 (MANE Select); coding-DNA position 38, G replaced by A.
Protein change: p.Gly13Asp; replaces glycine 13 with aspartic acid.
Molecular consequence: missense variant.
Genome position (GRCh38, 1-based): chr12:25,245,347, C>T on the plus strand (G>A on the coding strand, the complement: KRAS is on the minus strand). VCF-style: chr12-25245347-C-T. GRCh37 (hg19) VCF-style: chr12-25398281-C-T.
Other names: c.38G>A (NM_004985.4, LRG_344t1); c.38G>A, p.Gly13Asp (NM_001369786.1, NM_001369787.1, NM_033360.4); short protein forms G13D.
Identifiers: ClinVar variation 12580 (VCV000012580.80), dbSNP rs112445441, ClinGen allele CA122534.
Genomic context (GRCh38, chr12:25,245,347, plus strand): 5'-TCATATTCGTCCACAAAATGATTCTGAATTAGCTGTATCGTCAAGGCACTCTTGCCTACG[C>T]CACCAGCTCCAACTACCACAAGTTTATATTCAGTCATTTTCAGCAGGCCTTATAATAAAA-3'
Protein context (NP_004976.2, residues 3-23): EYKLVVVGAG[Gly13Asp]VGKSALTIQL